The following is an entry in ClinVar:

ClinVar aggregate classification (germline): Benign (1 of 4 stars; one submission).

Conditions:
Familial adenomatous polyposis 1 (FAP1). Also called: POLYPOSIS, ADENOMATOUS INTESTINAL; FAMILIAL ADENOMATOUS POLYPOSIS 1, ATTENUATED. Identifiers: MedGen C2713442, MONDO:0021056, OMIM 175100. Disease mechanism: loss of function.

Submission:

Myriad Genetics, Inc.
Classification: Benign for Familial adenomatous polyposis 1. Last evaluated: 2024-03-27. Review status: criteria provided, single submitter. Criteria: Myriad Autosomal Dominant, Autosomal Recessive and X-Linked Classification Criteria (2023). Collection method: clinical testing. Allele origin: unknown.
Comment: This variant is considered benign. This variant is a silent/synonymous amino acid change and it is not expected to impact splicing.

NM_000038.6(APC):c.4635A>G (p.Ser1545=)

Gene: APC (APC regulator of Wnt signaling pathway; plus strand). Cytogenetic location: 5q22.2.
Variant type: single nucleotide variant.
Coding change: c.4635A>G on transcript NM_000038.6 (MANE Select); coding-DNA position 4635, A replaced by G.
Protein change: p.Ser1545=; no amino-acid change (serine 1545 retained).
Molecular consequence: synonymous variant. On other transcripts: non-coding transcript variant (2).
Genome position (GRCh38, 1-based): chr5:112,840,229, A>G. VCF-style: chr5-112840229-A-G. GRCh37 (hg19) VCF-style: chr5-112175926-A-G.
Other names: c.4635A>G, p.Ser1545= (NM_001127510.3, NM_001354895.2, NM_001407450.1); c.4581A>G, p.Ser1527= (NM_001127511.3); c.4689A>G, p.Ser1563= (NM_001354896.2, NM_001407447.1, NM_001407448.1 and 1 more transcripts); c.4665A>G, p.Ser1555= (NM_001354897.2); c.4560A>G, p.Ser1520= (NM_001354898.2); c.4551A>G, p.Ser1517= (NM_001354899.2); c.4512A>G, p.Ser1504= (NM_001354900.2); c.4458A>G, p.Ser1486= (NM_001354901.2, NM_001407453.1); and 11 more.
Identifiers: ClinVar variation 3148012 (VCV003148012.1), dbSNP rs2149919621, ClinGen allele CA446206639.